The following is an entry in ClinVar:

NM_000463.3(UGT1A1):c.1060T>G (p.Trp354Gly)

Genes: UGT1A5 (UDP glucuronosyltransferase family 1 member A5; plus strand), UGT1A6 (UDP glucuronosyltransferase family 1 member A6; plus strand), UGT1A7 (UDP glucuronosyltransferase family 1 member A7; plus strand), UGT1A9 (UDP glucuronosyltransferase family 1 member A9; plus strand), UGT1A8 (UDP glucuronosyltransferase family 1 member A8; plus strand) and 5 more. Cytogenetic location: 2q37.1.
Variant type: single nucleotide variant.
Coding change: c.1060T>G on transcript NM_000463.3 (MANE Select); coding-DNA position 1060, T replaced by G.
Protein change: p.Trp354Gly; replaces tryptophan 354 with glycine.
Molecular consequence: missense variant.
Genome position (GRCh38, 1-based): chr2:233,767,912, T>G. VCF-style: chr2-233767912-T-G. GRCh37 (hg19) VCF-style: chr2-234676558-T-G.
Other names: c.1051T>G, p.Trp351Gly (NM_019077.3, NM_021027.3, NM_019075.4 and 1 more transcripts); c.1057T>G, p.Trp353Gly (NM_001072.4); c.256T>G, p.Trp86Gly (NM_205862.3); c.1063T>G, p.Trp355Gly (NM_019078.2, NM_007120.3, NM_019093.4); short protein forms W351G, W353G, W354G, W355G, W86G.
Identifiers: ClinVar variation 1703141 (VCV001703141.3), dbSNP rs1559414817, ClinGen allele CA351073312.

ClinVar aggregate classification (germline): Likely pathogenic (1 of 4 stars; one submission).

Conditions:
UGT1A1-related disorder. Also called: UGT1A1-related condition; UGT1A1-related disorders.

Submission:

Greenwood Genetic Center Diagnostic Laboratories, Greenwood Genetic Center
Classification: Likely pathogenic for UGT1A1-related disorder. Last evaluated: 2022-04-14. Review status: criteria provided, single submitter. Criteria: ACMG Guidelines, 2015. Collection method: clinical testing. Allele origin: germline. Affected: yes.
Comment: PS3_Moderate, PM2, PM5_Supporting, PP3